The following is an entry in ClinVar:

NM_006096.4(NDRG1):c.498C>A (p.Asn166Lys)

Gene: NDRG1 (N-myc downstream regulated 1; minus strand). Cytogenetic location: 8q24.22.
Variant type: single nucleotide variant.
Coding change: c.498C>A on transcript NM_006096.4 (MANE Select); coding-DNA position 498, C replaced by A.
Protein change: p.Asn166Lys; replaces asparagine 166 with lysine.
Molecular consequence: missense variant.
Genome position (GRCh38, 1-based): chr8:133,256,816, G>T on the plus strand (C>A on the coding strand, the complement: NDRG1 is on the minus strand). VCF-style: chr8-133256816-G-T. GRCh37 (hg19) VCF-style: chr8-134269059-G-T.
Other names: c.498C>A, p.Asn166Lys (NM_001135242.2, NM_001374844.1, NM_001374845.1 and 1 more transcripts); c.300C>A, p.Asn100Lys (NM_001258432.2, NM_001374847.1); c.255C>A, p.Asn85Lys (NM_001258433.2); short protein forms N100K, N166K, N85K.
Identifiers: ClinVar variation 973278 (VCV000973278.6), dbSNP rs1856400076, ClinGen allele CA372255739.

ClinVar aggregate classification (germline): Uncertain significance. Review status: criteria provided, multiple submitters, no conflicts (2 of 4 stars). 2 submissions from 2 submitters: Uncertain significance (2). Last evaluated 2021-12-02.

Conditions:
Charcot-Marie-Tooth disease type 4. Also called: Charcot-Marie-Tooth, Type 4; Charcot-Marie-Tooth disease, type IV. Identifiers: Orphanet 64749, MedGen C4082197, MONDO:0018995.

gnomAD v4.1: 7 of 1,614,180 alleles (0.00043%); highest among the groups gnomAD compares: Middle Eastern, 0.016%; no homozygotes.

Submissions (2):

Labcorp Genetics (formerly Invitae), Labcorp
Classification: Uncertain significance for Charcot-Marie-Tooth disease type 4. Last evaluated: 2021-12-02. Review status: criteria provided, single submitter. Criteria: Invitae Variant Classification Sherloc (09022015). Collection method: clinical testing. Allele origin: germline.
Comment: This sequence change replaces asparagine, which is neutral and polar, with lysine, which is basic and polar, at codon 166 of the NDRG1 protein (p.Asn166Lys). This variant is not present in population databases (gnomAD no frequency). This variant has not been reported in the literature in individuals affected with NDRG1-related conditions. ClinVar contains an entry for this variant (Variation ID: 973278). Algorithms developed to predict the effect of missense changes on protein structure and function are either unavailable or do not agree on the potential impact of this missense change (SIFT: "Tolerated"; PolyPhen-2: "Probably Damaging"; Align-GVGD: "Class C0"). In summary, the available evidence is currently insufficient to determine the role of this variant in disease. Therefore, it has been classified as a Variant of Uncertain Significance.

Illumina Laboratory Services, Illumina
Classification: Uncertain significance for Charcot-Marie-Tooth disease type 4. Last evaluated: 2019-12-08. Review status: criteria provided, single submitter. Criteria: ICSLVariantClassificationCriteria RUGD 01 April 2020. Collection method: clinical testing. Allele origin: unknown.
Comment: The NDRG1 c.498C>A (p.Asn166Lys) variant is a missense variant. A literature search was performed for the gene, cDNA change, and amino acid change. No publications were found based on this search. This variant is not found in Genome Aggregation Database despite good sequence coverage, so the variant is presumed to be rare. Based on the limited evidence, the p.Asn166Lys variant is classified as a variant of unknown significance for Charcot-Marie-Tooth type 4.